The following is an entry in ClinVar:

ClinVar aggregate classification (germline): Likely pathogenic (1 of 4 stars; one submission).

Conditions:
Intellectual developmental disorder with microcephaly and with or without ocular malformations or hypogonadotropic hypogonadism. Also called: Coffin-Siris Syndrome 9; Intellectual disability, autosomal dominant 27. Identifiers: Orphanet 1465, MedGen C4014528, MONDO:0014376, OMIM 615866.

Submission:

3billion
Classification: Likely pathogenic for Intellectual developmental disorder with microcephaly and with or without ocular malformations or hypogonadotropic hypogonadism. Last evaluated: 2025-12-22. Review status: criteria provided, single submitter. Criteria: ACMG Guidelines, 2015. Collection method: clinical testing. Allele origin: germline. Affected: yes.
Comment: The variant is not observed in the gnomAD v4.1.0 dataset. Predicted Consequence/Location: The variant is located in a mutational hot spot and/or well-established functional domain in which established pathogenic variants have been reported. Missense variant. Missense changes are a common disease-causing mechanism. In silico tool predictions suggest damaging effect of the variant on gene or gene product [REVEL: 0.94 (>=0.6, sensitivity 0.68 and specificity 0.92); 3Cnet: 0.99 (> 0.75, sensitivity 0.96 and precision 0.92)]. Different missense changes at the same codon (p.Met53Arg, p.Met53Ile, p.Met53Val) have been reported as pathogenic/likely pathogenic with strong evidence (ClinVar ID: VCV001802586, VCV002443010, VCV002443011, VCV002443012 /PMID: 35341651). Therefore, this variant is classified as Likely pathogenic according to the recommendation of ACMG/AMP guideline.

Literature cited by the submitters: PubMed 35341651.

NM_003108.4(SOX11):c.158T>C (p.Met53Thr)

Gene: SOX11 (SRY-box transcription factor 11; plus strand). Cytogenetic location: 2p25.2.
Variant type: single nucleotide variant.
Coding change: c.158T>C on transcript NM_003108.4 (MANE Select); coding-DNA position 158, T replaced by C.
Protein change: p.Met53Thr; replaces methionine 53 with threonine.
Molecular consequence: missense variant.
Genome position (GRCh38, 1-based): chr2:5,692,879, T>C. VCF-style: chr2-5692879-T-C. GRCh37 (hg19) VCF-style: chr2-5833011-T-C.
Other names: short protein forms M53T.
Identifiers: ClinVar variation 4855523 (VCV004855523.1).